The following is an entry in ClinVar:

NM_004727.3(SLC24A1):c.578G>A (p.Arg193His)

Gene: SLC24A1 (solute carrier family 24 member 1; plus strand). Cytogenetic location: 15q22.31.
Variant type: single nucleotide variant.
Coding change: c.578G>A on transcript NM_004727.3 (MANE Select); coding-DNA position 578, G replaced by A.
Protein change: p.Arg193His; replaces arginine 193 with histidine.
Molecular consequence: missense variant.
Genome position (GRCh38, 1-based): chr15:65,624,658, G>A. VCF-style: chr15-65624658-G-A. GRCh37 (hg19) VCF-style: chr15-65916996-G-A.
Other names: c.578G>A, p.Arg193His (NM_001301031.1, NM_001301032.1, NM_001301033.2); short protein forms R193H.
Identifiers: ClinVar variation 857148 (VCV000857148.9), dbSNP rs1261443097, ClinGen allele CA392914266.

ClinVar aggregate classification (germline): Uncertain significance. Review status: criteria provided, multiple submitters, no conflicts (2 of 4 stars). 2 submissions from 2 submitters: Uncertain significance (2). Last evaluated 2025-05-15.

Conditions:
Inborn genetic diseases. Identifiers: MedGen C0950123, MeSH D030342.

Allele frequency attached by ClinVar (database versions not stated): gnomAD exomes 0.00001 and 0.00004; TOPMed 0.00006; gnomAD 0.00009.
gnomAD v4.1: 34 of 1,596,728 alleles (0.0021%); highest among the groups gnomAD compares: Admixed American, 0.046%; no homozygotes.

Submissions (2):

Ambry Genetics
Classification: Uncertain significance for Inborn genetic diseases. Last evaluated: 2025-05-15. Review status: criteria provided, single submitter. Criteria: Ambry Variant Classification Scheme 2023. Collection method: clinical testing. Allele origin: germline.

Labcorp Genetics (formerly Invitae), Labcorp
Classification: Uncertain significance. Last evaluated: 2024-11-05. Review status: criteria provided, single submitter. Criteria: Invitae Variant Classification Sherloc (09022015). Collection method: clinical testing. Allele origin: germline.
Comment: This sequence change replaces arginine, which is basic and polar, with histidine, which is basic and polar, at codon 193 of the SLC24A1 protein (p.Arg193His). This variant is present in population databases (no rsID available, gnomAD 0.02%). This variant has not been reported in the literature in individuals affected with SLC24A1-related conditions. ClinVar contains an entry for this variant (Variation ID: 857148). An algorithm developed to predict the effect of missense changes on protein structure and function outputs the following: PolyPhen-2: "Benign". The histidine amino acid residue is found in multiple mammalian species, which suggests that this missense change does not adversely affect protein function. In summary, the available evidence is currently insufficient to determine the role of this variant in disease. Therefore, it has been classified as a Variant of Uncertain Significance.